The following is an entry in ClinVar:

ClinVar aggregate classification (germline): Uncertain significance (1 of 4 stars; one submission).

Allele frequency attached by ClinVar (database versions not stated): TOPMed below 0.00001; gnomAD 0.00001.

Submission:

Labcorp Genetics (formerly Invitae), Labcorp
Classification: Uncertain significance. Last evaluated: 2023-05-08. Review status: criteria provided, single submitter. Criteria: Invitae Variant Classification Sherloc (09022015). Collection method: clinical testing. Allele origin: germline.
Comment: This variant is not present in population databases (gnomAD no frequency). In summary, the available evidence is currently insufficient to determine the role of this variant in disease. Therefore, it has been classified as a Variant of Uncertain Significance. An algorithm developed to predict the effect of missense changes on protein structure and function (PolyPhen-2) suggests that this variant is likely to be disruptive. ClinVar contains an entry for this variant (Variation ID: 1495993). This variant has not been reported in the literature in individuals affected with RAX2-related conditions. This sequence change replaces proline, which is neutral and non-polar, with serine, which is neutral and polar, at codon 130 of the RAX2 protein (p.Pro130Ser).

NM_001319074.4(RAX2):c.388C>T (p.Pro130Ser)

Gene: RAX2 (retina and anterior neural fold homeobox 2; minus strand). Cytogenetic location: 19p13.3.
Variant type: single nucleotide variant.
Coding change: c.388C>T on transcript NM_001319074.4 (MANE Select); coding-DNA position 388, C replaced by T.
Protein change: p.Pro130Ser; replaces proline 130 with serine.
Molecular consequence: missense variant.
Genome position (GRCh38, 1-based): chr19:3,770,788, G>A on the plus strand (C>T on the coding strand, the complement: RAX2 is on the minus strand). VCF-style: chr19-3770788-G-A. GRCh37 (hg19) VCF-style: chr19-3770786-G-A.
Other names: c.388C>T, p.Pro130Ser (NM_032753.4); short protein forms P130S.
Identifiers: ClinVar variation 1495993 (VCV001495993.8), dbSNP rs1250490026, ClinGen allele CA403374588.